The following is an entry in ClinVar:

ClinVar aggregate classification (germline): Uncertain significance (1 of 4 stars; one submission).

gnomAD v4.1: 1 of 1,610,346 alleles (0.000062%); highest among the groups gnomAD compares: South Asian, 0.0011%; no homozygotes.

Submission:

Labcorp Genetics (formerly Invitae), Labcorp
Classification: Uncertain significance. Last evaluated: 2026-01-19. Review status: criteria provided, single submitter. Criteria: Invitae Variant Classification Sherloc (09022015). Collection method: clinical testing. Allele origin: germline.
Comment: This sequence change replaces isoleucine, which is neutral and non-polar, with methionine, which is neutral and non-polar, at codon 288 of the CACNA1D protein (p.Ile288Met). This variant is present in population databases (rs759782011, gnomAD 0.003%). This variant has not been reported in the literature in individuals affected with CACNA1D-related conditions. Invitae Evidence Modeling of protein sequence and biophysical properties (such as structural, functional, and spatial information, amino acid conservation, physicochemical variation, residue mobility, and thermodynamic stability) indicates that this missense variant is not expected to disrupt CACNA1D protein function with a negative predictive value of 80%. In summary, the available evidence is currently insufficient to determine the role of this variant in disease. Therefore, it has been classified as a Variant of Uncertain Significance.

NM_001128840.3(CACNA1D):c.864A>G (p.Ile288Met)

Gene: CACNA1D (calcium voltage-gated channel subunit alpha1 D; plus strand). Cytogenetic location: 3p21.1.
Variant type: single nucleotide variant.
Coding change: c.864A>G on transcript NM_001128840.3 (MANE Select); coding-DNA position 864, A replaced by G.
Protein change: p.Ile288Met; replaces isoleucine 288 with methionine.
Molecular consequence: missense variant.
Genome position (GRCh38, 1-based): chr3:53,665,757, A>G. VCF-style: chr3-53665757-A-G. GRCh37 (hg19) VCF-style: chr3-53699784-A-G.
Other names: c.864A>G, p.Ile288Met (NM_000720.4, NM_001128839.3); short protein forms I288M.
Identifiers: ClinVar variation 4742194 (VCV004742194.1).